The following is an entry in ClinVar:

NM_005502.4(ABCA1):c.1523A>G (p.Asn508Ser)

Gene: ABCA1 (ATP binding cassette subfamily A member 1; minus strand). Cytogenetic location: 9q31.1.
Variant type: single nucleotide variant.
Coding change: c.1523A>G on transcript NM_005502.4 (MANE Select); coding-DNA position 1523, A replaced by G.
Protein change: p.Asn508Ser; replaces asparagine 508 with serine.
Molecular consequence: missense variant.
Genome position (GRCh38, 1-based): chr9:104,831,814, T>C on the plus strand (A>G on the coding strand, the complement: ABCA1 is on the minus strand). VCF-style: chr9-104831814-T-C. GRCh37 (hg19) VCF-style: chr9-107594095-T-C.
Other names: short protein forms N508S.
Identifiers: ClinVar variation 1926124 (VCV001926124.5), dbSNP rs758876983, ClinGen allele CA5168976.

ClinVar aggregate classification (germline): Uncertain significance (1 of 4 stars; one submission).

Allele frequency attached by ClinVar (database versions not stated): gnomAD 0.00001; TOPMed 0.00001.
gnomAD v4.1: 13 of 1,614,090 alleles (0.00081%); highest among the groups gnomAD compares: Non-Finnish European, 0.0011%; no homozygotes.

Submission:

Labcorp Genetics (formerly Invitae), Labcorp
Classification: Uncertain significance. Last evaluated: 2023-08-04. Review status: criteria provided, single submitter. Criteria: Invitae Variant Classification Sherloc (09022015). Collection method: clinical testing. Allele origin: germline.
Comment: This sequence change replaces asparagine, which is neutral and polar, with serine, which is neutral and polar, at codon 508 of the ABCA1 protein (p.Asn508Ser). This variant is present in population databases (rs758876983, gnomAD 0.0009%). This variant has not been reported in the literature in individuals affected with ABCA1-related conditions. ClinVar contains an entry for this variant (Variation ID: 1926124). Advanced modeling of protein sequence and biophysical properties (such as structural, functional, and spatial information, amino acid conservation, physicochemical variation, residue mobility, and thermodynamic stability) performed at Invitae indicates that this missense variant is not expected to disrupt ABCA1 protein function. In summary, the available evidence is currently insufficient to determine the role of this variant in disease. Therefore, it has been classified as a Variant of Uncertain Significance.